The following is an entry in ClinVar:

NM_000133.4(F9):c.197A>T (p.Glu66Val)

Gene: F9 (coagulation factor IX; plus strand). Cytogenetic location: Xq27.1.
Variant type: single nucleotide variant.
Coding change: c.197A>T on transcript NM_000133.4 (MANE Select); coding-DNA position 197, A replaced by T.
Protein change: p.Glu66Val; replaces glutamic acid 66 with valine.
Molecular consequence: missense variant.
Genome position (GRCh38, 1-based): chrX:139,537,118, A>T. VCF-style: chrX-139537118-A-T. GRCh37 (hg19) VCF-style: chrX-138619277-A-T.
Other names: NM_001313913.2:c.197A>T; c.197A>T, p.Glu66Val (NM_001313913.2); short protein forms E66V.
Identifiers: ClinVar variation 4849521 (VCV004849521.1).

ClinVar aggregate classification (germline): Likely pathogenic (3 of 4 stars; one submission).

Conditions:
Hereditary factor IX deficiency disease (HEMB). Also called: PLASMA THROMBOPLASTIN COMPONENT DEFICIENCY; Christmas Disease; Hemophilia B; F9 DEFICIENCY; FACTOR IX DEFICIENCY. Identifiers: Orphanet 98879, MedGen C0008533, MeSH D002836, MONDO:0010604, OMIM 306900.

Submission:

ClinGen Coagulation Factor Deficiency Variant Curation Expert Panel, Clingen
Classification: Likely pathogenic for Hereditary factor IX deficiency disease. Last evaluated: 2026-04-10. Review status: reviewed by expert panel. Criteria: ClinGen CoagFactor ACMG Specifications F9 V2.1.0. Collection method: curation. Allele origin: germline. Inheritance: X-linked inheritance.
Comment: The NM_000133.4(F9):c.197A>T; p.Glu66Val variant is a missense variant in F9 that is absent from from gnomAD v4.1.0 (PM2_Supporting) and is predicted to have a deleterious effect (REVEL score of 0.98; PP3). The variant has been observed in at least four patients in the literature with moderate to severe hemophilia B (PMID:34880139, 3 points PS4; PMID:7937052, 1 point PS4; Total 4 points PS4, PS4). Another missense variant (c.198A>T, p.Glu66Asp, CAID:CA414435987) in the same codon has been classified as pathogenic for hemophilia B by the ClinGen Coagulation Factor Deficiency VCEP meeting PM5. In summary, this variant meets the criteria to be classified as likely pathogenic for hemophilia B. ACMG/AMP criteria applied, as specified by the Coagulation Factor Deficiency Variant Curation Expert Panel (specifications version 2.0.1) for F9: PS4, PM5, PM2_Supporting, PP3.